The following is an entry in ClinVar:

ClinVar aggregate classification (germline): Uncertain significance. Review status: criteria provided, multiple submitters, no conflicts (2 of 4 stars). 2 submissions from 2 submitters: Uncertain significance (2). Last evaluated 2026-02-04.

gnomAD v4.1: 1 of 1,614,098 alleles (0.000062%); highest among the groups gnomAD compares: Non-Finnish European, 0.000085%; no homozygotes.

Submissions (2):

GeneDx
Classification: Uncertain significance. Last evaluated: 2026-02-04. Review status: criteria provided, single submitter. Criteria: GeneDx Variant Classification Process June 2021. Collection method: clinical testing. Allele origin: germline.
Comment: Not observed at significant frequency in large population cohorts (gnomAD); In silico analysis indicates that this missense variant does not alter protein structure/function; Has not been previously published as pathogenic or benign to our knowledge

Labcorp Genetics (formerly Invitae), Labcorp
Classification: Uncertain significance. Last evaluated: 2025-04-13. Review status: criteria provided, single submitter. Criteria: Invitae Variant Classification Sherloc (09022015). Collection method: clinical testing. Allele origin: germline.
Comment: This sequence change replaces valine, which is neutral and non-polar, with alanine, which is neutral and non-polar, at codon 323 of the TBX20 protein (p.Val323Ala). This variant is not present in population databases (gnomAD no frequency). This variant has not been reported in the literature in individuals affected with TBX20-related conditions. Invitae Evidence Modeling of protein sequence and biophysical properties (such as structural, functional, and spatial information, amino acid conservation, physicochemical variation, residue mobility, and thermodynamic stability) indicates that this missense variant is not expected to disrupt TBX20 protein function with a negative predictive value of 80%. In summary, the available evidence is currently insufficient to determine the role of this variant in disease. Therefore, it has been classified as a Variant of Uncertain Significance.

NM_001077653.2(TBX20):c.968T>C (p.Val323Ala)

Gene: TBX20 (T-box transcription factor 20; minus strand). Cytogenetic location: 7p14.2.
Variant type: single nucleotide variant.
Coding change: c.968T>C on transcript NM_001077653.2 (MANE Select); coding-DNA position 968, T replaced by C.
Protein change: p.Val323Ala; replaces valine 323 with alanine.
Molecular consequence: missense variant.
Genome position (GRCh38, 1-based): chr7:35,204,505, A>G on the plus strand (T>C on the coding strand, the complement: TBX20 is on the minus strand). VCF-style: chr7-35204505-A-G. GRCh37 (hg19) VCF-style: chr7-35244117-A-G.
Other names: short protein forms V323A.
Identifiers: ClinVar variation 3774917 (VCV003774917.3).